The following is an entry in ClinVar:

NM_001365088.1(SLC12A6):c.3070A>G (p.Met1024Val)

Gene: SLC12A6 (solute carrier family 12 member 6; minus strand). Cytogenetic location: 15q14.
Variant type: single nucleotide variant.
Coding change: c.3070A>G on transcript NM_001365088.1 (MANE Select); coding-DNA position 3070, A replaced by G.
Protein change: p.Met1024Val; replaces methionine 1024 with valine.
Molecular consequence: missense variant.
Genome position (GRCh38, 1-based): chr15:34,236,172, T>C on the plus strand (A>G on the coding strand, the complement: SLC12A6 is on the minus strand). VCF-style: chr15-34236172-T-C. GRCh37 (hg19) VCF-style: chr15-34528373-T-C.
Other names: c.2917A>G, p.Met973Val (NM_005135.2); c.3070A>G, p.Met1024Val (NM_133647.2); c.2893A>G, p.Met965Val (NM_001042494.2, NM_001042495.2); c.3043A>G, p.Met1015Val (NM_001042496.2); c.3025A>G, p.Met1009Val (NM_001042497.2); short protein forms M1009V, M1015V, M965V, M973V, M1024V.
Identifiers: ClinVar variation 2190240 (VCV002190240.2), dbSNP rs780682496, ClinGen allele CA7463929.

ClinVar aggregate classification (germline): Uncertain significance (1 of 4 stars; one submission).

Allele frequency attached by ClinVar (database versions not stated): gnomAD 0.00001; TOPMed 0.00002; ExAC 0.00006.

Submission:

Labcorp Genetics (formerly Invitae), Labcorp
Classification: Uncertain significance. Last evaluated: 2025-01-11. Review status: criteria provided, single submitter. Criteria: Invitae Variant Classification Sherloc (09022015). Collection method: clinical testing. Allele origin: germline.
Comment: This sequence change replaces methionine, which is neutral and non-polar, with valine, which is neutral and non-polar, at codon 1024 of the SLC12A6 protein (p.Met1024Val). This variant is present in population databases (rs780682496, gnomAD 0.03%). This variant has not been reported in the literature in individuals affected with SLC12A6-related conditions. ClinVar contains an entry for this variant (Variation ID: 2190240). Invitae Evidence Modeling of protein sequence and biophysical properties (such as structural, functional, and spatial information, amino acid conservation, physicochemical variation, residue mobility, and thermodynamic stability) indicates that this missense variant is not expected to disrupt SLC12A6 protein function with a negative predictive value of 95%. In summary, the available evidence is currently insufficient to determine the role of this variant in disease. Therefore, it has been classified as a Variant of Uncertain Significance.